The following is an entry in ClinVar:

NM_001844.5(COL2A1):c.2301+5G>A

Gene: COL2A1 (collagen type II alpha 1 chain; minus strand). Cytogenetic location: 12q13.11.
Variant type: single nucleotide variant.
Coding change: c.2301+5G>A on transcript NM_001844.5 (MANE Select); 5 bases into the intron after coding-DNA position 2301, G replaced by A.
Molecular consequence: intron variant.
Genome position (GRCh38, 1-based): chr12:47,982,497, C>T on the plus strand (G>A on the coding strand, the complement: COL2A1 is on the minus strand). VCF-style: chr12-47982497-C-T. GRCh37 (hg19) VCF-style: chr12-48376280-C-T.
Other names: c.2094+5G>A (NM_033150.3).
Identifiers: ClinVar variation 512673 (VCV000512673.10), dbSNP rs1335619157, ClinGen allele CA604850490.

ClinVar aggregate classification (germline): Conflicting classifications of pathogenicity. Review status: criteria provided, conflicting classifications (1 of 4 stars). 3 submissions from 3 submitters: Uncertain significance (2); Likely benign (1). Last evaluated 2025-12-11.

Allele frequency attached by ClinVar (database versions not stated): gnomAD 0.00001; gnomAD exomes 0.00001; TOPMed 0.00002.
gnomAD v4.1: 11 of 1,610,764 alleles (0.00068%); highest among the groups gnomAD compares: Non-Finnish European, 0.00093%; no homozygotes.

Submissions (3):

Labcorp Genetics (formerly Invitae), Labcorp
Classification: Uncertain significance. Last evaluated: 2025-12-11. Review status: criteria provided, single submitter. Criteria: Invitae Variant Classification Sherloc (09022015). Collection method: clinical testing. Allele origin: germline.
Comment: This sequence change falls in intron 34 of the COL2A1 gene. It does not directly change the encoded amino acid sequence of the COL2A1 protein. It affects a nucleotide within the consensus splice site. This variant is present in population databases (no rsID available, gnomAD 0.007%). This variant has not been reported in the literature in individuals affected with COL2A1-related conditions. ClinVar contains an entry for this variant (Variation ID: 512673). Variants that disrupt the consensus splice site are a relatively common cause of aberrant splicing (PMID: 17576681, 9536098). Algorithms developed to predict the effect of sequence changes on RNA splicing suggest that this variant may disrupt the consensus splice site. In summary, the available evidence is currently insufficient to determine the role of this variant in disease. Therefore, it has been classified as a Variant of Uncertain Significance.

Blueprint Genetics
Classification: Uncertain significance. Last evaluated: 2023-05-24. Review status: criteria provided, single submitter. Criteria: ACMG Guidelines, 2015. Collection method: clinical testing. Allele origin: germline.

GeneDx
Classification: Likely benign. Last evaluated: 2019-10-17. Review status: criteria provided, single submitter. Criteria: GeneDx Variant Classification Process June 2021. Collection method: clinical testing. Allele origin: germline. Affected: yes.

Literature cited by the submitters: PubMed 17576681 (cited by Labcorp Genetics (formerly Invitae), Labcorp); PubMed 9536098 (cited by Labcorp Genetics (formerly Invitae), Labcorp).